The following is an entry in ClinVar:

NM_002180.3(IGHMBP2):c.1615_1623del (p.Ser539_Tyr541del)

Genes: IGHMBP2 (immunoglobulin mu DNA binding protein 2; plus strand), LOC126861245 (CDK7 strongly-dependent group 2 enhancer GRCh37_chr11:68701479-68702678; plus strand). Cytogenetic location: 11q13.3.
Variant type: Deletion.
Coding change: c.1615_1623del on transcript NM_002180.3 (MANE Select); coding-DNA positions 1615 to 1623, 9 bases deleted (TCGCCATAC; older notation c.1615_1623delTCGCCATAC).
Protein change: p.Ser539_Tyr541del.
Molecular consequence: inframe deletion.
Genome position (GRCh38, 1-based): chr11:68,934,541-68,934,549, TCGCCATAC deleted; deleting any 9 consecutive bases within chr11:68,934,540-68,934,549 gives the same sequence; the c. name uses the placement nearest the transcript's 3' end. VCF-style (leftmost placement, unchanged base first): chr11-68934539-TCTCGCCATA-T. GRCh37 (hg19) VCF-style: chr11-68702007-TCTCGCCATA-T.
Other names: c.1615_1623del9 (NM_002180.2).
Identifiers: ClinVar variation 637947 (VCV000637947.6), dbSNP rs1594453111, ClinGen allele CA915948217.

ClinVar aggregate classification (germline): Pathogenic. Review status: criteria provided, single submitter (1 of 4 stars). 2 submissions from 2 submitters: Pathogenic (1). 1 of the submissions does not count toward it. Last evaluated 2024-01-08.

Conditions:
Charcot-Marie-Tooth disease axonal type 2S. Also called: CHARCOT-MARIE-TOOTH DISEASE, AXONAL, AUTOSOMAL RECESSIVE, TYPE 2S; CHARCOT-MARIE-TOOTH NEUROPATHY, TYPE 2S. Identifiers: Orphanet 443073, MedGen C4015349, MONDO:0014511, OMIM 616155.
Autosomal recessive distal spinal muscular atrophy 1. Also called: SEVERE INFANTILE AXONAL NEUROPATHY WITH RESPIRATORY FAILURE; SPINAL MUSCULAR ATROPHY, DIAPHRAGMATIC; NEURONOPATHY, DISTAL HEREDITARY MOTOR, HARDING TYPE VI; NEUROPATHY, DISTAL HEREDITARY MOTOR, AUTOSOMAL RECESSIVE 1; HMN VI; NEURONOPATHY, SEVERE INFANTILE AXONAL, WITH RESPIRATORY FAILURE. Identifiers: Orphanet 98920, MedGen C1858517, MONDO:0011436, OMIM 604320.
Neuronopathy, distal hereditary motor, autosomal dominant. Also called: Autosomal dominant distal hereditary motor neuropathy. Identifiers: Orphanet 140465, MedGen C5548212, MONDO:0015362.

Submissions (2):

Labcorp Genetics (formerly Invitae), Labcorp
Classification: Pathogenic for Autosomal recessive distal spinal muscular atrophy 1; Charcot-Marie-Tooth disease axonal type 2S. Last evaluated: 2024-01-08. Review status: criteria provided, single submitter. Criteria: Invitae Variant Classification Sherloc (09022015). Collection method: clinical testing. Allele origin: germline.
Comment: This variant, c.1615_1623del, results in the deletion of 3 amino acid(s) of the IGHMBP2 protein (p.Ser539_Tyr541del), but otherwise preserves the integrity of the reading frame. This variant is not present in population databases (gnomAD no frequency). This variant has been observed in individual(s) with spinal muscular atrophy (PMID: 24388491). ClinVar contains an entry for this variant (Variation ID: 637947). This variant disrupts a region of the IGHMBP2 protein in which other variant(s) (p.Ser539Leu) have been determined to be pathogenic (PMID: 30598237; Invitae). This suggests that this is a clinically significant region of the protein, and that variants that disrupt it are likely to be disease-causing. For these reasons, this variant has been classified as Pathogenic.

Inherited Neuropathy Consortium
Classification: Uncertain significance for Autosomal dominant distal hereditary motor neuropathy. Review status: no assertion criteria provided. Collection method: literature only. Allele origin: germline. Affected: yes. Not counted in ClinVar's aggregate classification.

Literature cited by the submitters: PubMed 24388491 (cited by Labcorp Genetics (formerly Invitae), Labcorp and Inherited Neuropathy Consortium); PubMed 30598237 (cited by Labcorp Genetics (formerly Invitae), Labcorp).